The following is an entry in ClinVar:

ClinVar aggregate classification (germline): Uncertain significance (1 of 4 stars; one submission).

gnomAD v4.1: 4 of 1,614,182 alleles (0.00025%); highest among the groups gnomAD compares: East Asian, 0.0022%; no homozygotes.

Submission:

Labcorp Genetics (formerly Invitae), Labcorp
Classification: Uncertain significance. Last evaluated: 2025-12-02. Review status: criteria provided, single submitter. Criteria: Invitae Variant Classification Sherloc (09022015). Collection method: clinical testing. Allele origin: germline.
Comment: This sequence change replaces asparagine, which is neutral and polar, with serine, which is neutral and polar, at codon 477 of the ARCN1 protein (p.Asn477Ser). This variant is present in population databases (no rsID available, gnomAD 0.005%). This variant has not been reported in the literature in individuals affected with ARCN1-related conditions. ClinVar contains an entry for this variant (Variation ID: 3625181). An algorithm developed to predict the effect of missense changes on protein structure and function (PolyPhen-2) suggests that this variant is likely to be tolerated. In summary, the available evidence is currently insufficient to determine the role of this variant in disease. Therefore, it has been classified as a Variant of Uncertain Significance.

NM_001655.5(ARCN1):c.1430A>G (p.Asn477Ser)

Gene: ARCN1 (archain 1 coat protein complex I subunit delta; plus strand). Cytogenetic location: 11q23.3.
Variant type: single nucleotide variant.
Coding change: c.1430A>G on transcript NM_001655.5 (MANE Select); coding-DNA position 1430, A replaced by G.
Protein change: p.Asn477Ser; replaces asparagine 477 with serine.
Molecular consequence: missense variant. On other transcripts: non-coding transcript variant (2), intron variant (3).
Genome position (GRCh38, 1-based): chr11:118,597,895, A>G. VCF-style: chr11-118597895-A-G. GRCh37 (hg19) VCF-style: chr11-118468610-A-G.
Other names: c.1166A>G, p.Asn389Ser (NM_001142281.2); c.1493A>G, p.Asn498Ser (NM_001425073.1); c.1427A>G, p.Asn476Ser (NM_001425074.1); c.1373A>G, p.Asn458Ser (NM_001425075.1); c.1361A>G, p.Asn454Ser (NM_001425076.1); c.1265A>G, p.Asn422Ser (NM_001425077.1); c.986A>G, p.Asn329Ser (NM_001425080.1); c.1242-2730A>G (NM_001425078.1); and 2 more; short protein forms N329S, N389S, N422S, N454S, N458S, N476S, N477S, N498S.
Identifiers: ClinVar variation 3625181 (VCV003625181.2).